The following is an entry in ClinVar:

ClinVar aggregate classification (germline): Pathogenic (1 of 4 stars; one submission).

Conditions:
Charcot-Marie-Tooth disease type 2. Also called: Charcot-Marie-Tooth type 2. Identifiers: Orphanet 64746, MedGen C0270914, MONDO:0018993.

Submission:

Labcorp Genetics (formerly Invitae), Labcorp
Classification: Pathogenic for Charcot-Marie-Tooth disease type 2. Last evaluated: 2023-07-13. Review status: criteria provided, single submitter. Criteria: Invitae Variant Classification Sherloc (09022015). Collection method: clinical testing. Allele origin: germline.
Comment: For these reasons, this variant has been classified as Pathogenic. Retrotransposon insertions including LINE1 (L1), Alu, and SVA (SINE-VNTR-Alu) have been reported to be disease-causing through disruption of either a coding region or splice site (PMID: 19763152, 20307669, 22406018) and loss-of-function variants in BSCL2 are known to be pathogenic (PMID: 11479539, 23564749). Algorithms developed to predict the effect of sequence changes on RNA splicing suggest that this variant may disrupt the consensus splice site. This variant has not been reported in the literature in individuals affected with BSCL2-related conditions. This variant is not present in population databases (gnomAD no frequency). This sequence change inserts a large fragment of DNA, likely a transposable element, in exon 4 of the BSCL2 gene (c.375_376ins?), causing a frameshift at codon 126 (p.Phe126fs). The exact size and sequence of the insertion cannot be determined by the current assay. However, the insertion is expected to result in an absent or disrupted protein product.

Literature cited by the submitters: PubMed 19763152; PubMed 20307669; PubMed 22406018; PubMed 11479539; PubMed 23564749.

NM_001122955.4(BSCL2):c.567_568insGGCCGGGCGCGGTGGCTCACGCCTGTAATCCCAGCACTTTGGGAGGCCGAGGCGGGTGGATCATGAGGTCANNNNNNNNNNAAAAAAAAAAAAAAAAAAAAAAAAAAAAAAAAAAAAAAAAAAAAAAAAAAAAAAAAAGATTTGGGCATG (p.Phe190delinsGlyArgAlaArgTrpLeuThrProValIleProAlaLeuTrpGluAlaGluAlaGlyGlySerTer)

Genes: BSCL2 (BSCL2 lipid droplet biogenesis associated, seipin; minus strand), HNRNPUL2-BSCL2 (HNRNPUL2-BSCL2 readthrough (NMD candidate); minus strand). Cytogenetic location: 11q12.3.
Variant type: Insertion.
Coding change: c.567_568insGGCCGGGCGCGGTGGCTCACGCCTGTAATCCCAGCACTTTGGGAGGCCGAGGCGGGTGGATCATGAGGTCANNNNNNNNNNAAAAAAAAAAAAAAAAAAAAAAAAAAAAAAAAAAAAAAAAAAAAAAAAAAAAAAAAAGATTTGGGCATG on transcript NM_001122955.4 (MANE Select); coding-DNA positions 567 to 568, GGCCGGGCGCGGTGGCTCACGCCTGTAATCCCAGCACTTTGGGAGGCCGAGGCGGGTGGATCATGAGGTCANNNNNNNNNNAAAAAAAAAAAAAAAAAAAAAAAAAAAAAAAAAAAAAAAAAAAAAAAAAAAAAAAAAGATTTGGGCATG inserted.
Protein change: p.Phe190delinsGlyArgAlaArgTrpLeuThrProValIleProAlaLeuTrpGluAlaGluAlaGlyGlySerTer.
Molecular consequence: nonsense. On other transcripts: non-coding transcript variant (1).
Genome position: GRCh38: chr11:62,694,644-62,694,645. GRCh37 (hg19): chr11:62,462,116-62,462,117.
Other names: c.375_376insGGCCGGGCGCGGTGGCTCACGCCTGTAATCCCAGCACTTTGGGAGGCCGAGGCGGGTGGATCATGAGGTCANNNNNNNNNNAAAAAAAAAAAAAAAAAAAAAAAAAAAAAAAAAAAAAAAAAAAAAAAAAAAAAAAAAGATTTGGGCATG, p.Phe126delinsGlyArgAlaArgTrpLeuThrProValIleProAlaLeuTrpGluAlaGluAlaGlyGlySerTer (NM_001130702.2, NM_032667.6); c.567_568insGGCCGGGCGCGGTGGCTCACGCCTGTAATCCCAGCACTTTGGGAGGCCGAGGCGGGTGGATCATGAGGTCANNNNNNNNNNAAAAAAAAAAAAAAAAAAAAAAAAAAAAAAAAAAAAAAAAAAAAAAAAAAAAAAAAAGATTTGGGCATG, p.Phe190delinsGlyArgAlaArgTrpLeuThrProValIleProAlaLeuTrpGluAlaGluAlaGlyGlySerTer (NM_001386027.1, NM_001386028.1).
Identifiers: ClinVar variation 2743145 (VCV002743145.3), dbSNP rs2539154728.